The following is an entry in ClinVar:

NM_020949.3(SLC7A14):c.632T>C (p.Ile211Thr)

Genes: SLC7A14 (solute carrier family 7 member 14; minus strand), SLC7A14-AS1 (SLC7A14 antisense RNA 1; plus strand). Cytogenetic location: 3q26.2.
Variant type: single nucleotide variant.
Coding change: c.632T>C on transcript NM_020949.3 (MANE Select); coding-DNA position 632, T replaced by C.
Protein change: p.Ile211Thr; replaces isoleucine 211 with threonine.
Molecular consequence: missense variant.
Genome position (GRCh38, 1-based): chr3:170,498,794, A>G on the plus strand (T>C on the coding strand, the complement: SLC7A14 is on the minus strand). VCF-style: chr3-170498794-A-G. GRCh37 (hg19) VCF-style: chr3-170216583-A-G.
Other names: short protein forms I211T.
Identifiers: ClinVar variation 971259 (VCV000971259.13), dbSNP rs149861615, ClinGen allele CA2701869.

ClinVar aggregate classification (germline): Conflicting classifications of pathogenicity. Review status: criteria provided, conflicting classifications (1 of 4 stars). 3 submissions from 3 submitters: Uncertain significance (1); Likely benign (1). 1 of the submissions does not count toward it. Last evaluated 2026-01-18.

Conditions:
SLC7A14-related disorder. Also called: SLC7A14-related condition.

Allele frequency attached by ClinVar (database versions not stated): gnomAD exomes 0.00008 and 0.00019; ExAC 0.00022; gnomAD 0.00080 and 0.00085; ESP Exome Variant Server 0.00092; 1000 Genomes Project 30x 0.00094; TOPMed 0.00094; 1000 Genomes Project 0.00120.
gnomAD v4.1: 260 of 1,614,232 alleles (0.016%); highest among the groups gnomAD compares: African/African-American, 0.28%; 1 homozygote.

Submissions (3):

Labcorp Genetics (formerly Invitae), Labcorp
Classification: Likely benign. Last evaluated: 2026-01-18. Review status: criteria provided, single submitter. Criteria: Invitae Variant Classification Sherloc (09022015). Collection method: clinical testing. Allele origin: germline.

Blueprint Genetics
Classification: Uncertain significance. Last evaluated: 2024-09-25. Review status: criteria provided, single submitter. Criteria: ACMG Guidelines, 2015. Collection method: clinical testing. Allele origin: germline.

PreventionGenetics, part of Exact Sciences
Classification: Likely benign for SLC7A14-related condition. Last evaluated: 2022-03-02. Review status: no assertion criteria provided. Collection method: clinical testing. Allele origin: germline. Not counted in ClinVar's aggregate classification.
Comment: This variant is classified as likely benign based on ACMG/AMP sequence variant interpretation guidelines (Richards et al. 2015 PMID: 25741868, with internal and published modifications).